The following is an entry in ClinVar:

ClinVar aggregate classification (germline): Likely benign (1 of 4 stars; one submission).

Allele frequency attached by ClinVar (database versions not stated): ExAC 0.00086; 1000 Genomes Project 30x 0.00016; TOPMed 0.00062; ESP Exome Variant Server 0.00073; gnomAD 0.00074.
gnomAD v4.1: 1,923 of 1,603,558 alleles (0.12%); highest among the groups gnomAD compares: Non-Finnish European, 0.16%; 2 homozygotes.

Submission:

CeGaT Center for Human Genetics Tuebingen
Classification: Likely benign. Last evaluated: 2022-11-01. Review status: criteria provided, single submitter. Criteria: CeGaT Center For Human Genetics Tuebingen Variant Classification Criteria Version 2. Collection method: clinical testing. Allele origin: germline. Affected: yes. Observed: 1 variant allele.
Comment: ADAD2: BP4, BP7

NM_001145400.2(ADAD2):c.36C>T (p.Gly12=)

Gene: ADAD2 (adenosine deaminase domain containing 2; plus strand). Cytogenetic location: 16q24.1.
Variant type: single nucleotide variant.
Coding change: c.36C>T on transcript NM_001145400.2 (MANE Select); coding-DNA position 36, C replaced by T.
Protein change: p.Gly12=; no amino-acid change (glycine 12 retained).
Molecular consequence: synonymous variant.
Genome position (GRCh38, 1-based): chr16:84,191,266, C>T. VCF-style: chr16-84191266-C-T. GRCh37 (hg19) VCF-style: chr16-84224872-C-T.
Other names: c.36C>T, p.Gly12= (NM_139174.4).
Identifiers: ClinVar variation 2646917 (VCV002646917.24), dbSNP rs143424699, ClinGen allele CA8204417.